The following is an entry in ClinVar:

NM_002234.4(KCNA5):c.859_860delinsTT (p.Ala287Leu)

Gene: KCNA5 (potassium voltage-gated channel subfamily A member 5; plus strand). Cytogenetic location: 12p13.32.
Variant type: Indel.
Coding change: c.859_860delinsTT on transcript NM_002234.4 (MANE Select); coding-DNA positions 859 to 860, GC replaced by TT.
Protein change: p.Ala287Leu; replaces alanine 287 with leucine.
Molecular consequence: missense variant.
Genome position (GRCh38, 1-based): chr12:5,045,006-5,045,007, GC replaced by TT. VCF-style: chr12-5045006-GC-TT. GRCh37 (hg19) VCF-style: chr12-5154172-GC-TT.
Other names: short protein forms A287L.
Identifiers: ClinVar variation 596455 (VCV000596455.18), dbSNP rs1565465582, ClinGen allele CA913190307.

ClinVar aggregate classification (germline): Conflicting classifications of pathogenicity. Review status: criteria provided, conflicting classifications (1 of 4 stars). 5 submissions from 5 submitters: Uncertain significance (3); Likely benign (1). 1 of the submissions does not count toward it. Last evaluated 2026-01-06.

Conditions:
Pulmonary arterial hypertension. Identifiers: Orphanet 182090, MedGen C2973725, MeSH D000081029, MONDO:0015924, HP:0002092.
Atrial fibrillation, familial, 7 (ATFB7). Identifiers: MedGen C2677106, MONDO:0012828, OMIM 612240.

Submissions (5):

Labcorp Genetics (formerly Invitae), Labcorp
Classification: Uncertain significance for Atrial fibrillation, familial, 7. Last evaluated: 2026-01-06. Review status: criteria provided, single submitter. Criteria: Invitae Variant Classification Sherloc (09022015). Collection method: clinical testing. Allele origin: germline.
Comment: This sequence change replaces alanine, which is neutral and non-polar, with leucine, which is neutral and non-polar, at codon 287 of the KCNA5 protein (p.Ala287Leu). The frequency data for this variant in the population databases is considered unreliable, as metrics indicate poor data quality at this position in the gnomAD database. This missense change has been observed in individual(s) with pulmonary arterial hypertension (PMID: 33007923). ClinVar contains an entry for this variant (Variation ID: 596455). An algorithm developed to predict the effect of missense changes on protein structure and function (PolyPhen-2) suggests that this variant is likely to be tolerated. Experimental studies have shown that this missense change does not substantially affect KCNA5 function (PMID: 36917789). In summary, the available evidence is currently insufficient to determine the role of this variant in disease. Therefore, it has been classified as a Variant of Uncertain Significance.

GeneDx
Classification: Likely benign. Last evaluated: 2022-08-09. Review status: criteria provided, single submitter. Criteria: GeneDx Variant Classification Process June 2021. Collection method: clinical testing. Allele origin: germline. Affected: yes.
Comment: See Variant Classification Assertion Criteria.

Fulgent Genetics
Classification: Uncertain significance for Atrial fibrillation, familial, 7. Last evaluated: 2021-08-30. Review status: criteria provided, single submitter. Criteria: ACMG Guidelines, 2015. Collection method: clinical testing. Allele origin: unknown.

Eurofins Ntd Llc (ga)
Classification: Uncertain significance. Last evaluated: 2018-03-05. Review status: criteria provided, single submitter. Criteria: EGL ClinVar v180209 classification definitions. Collection method: clinical testing. Allele origin: germline. Observed: 1 variant allele, 1 heterozygote.

John Welsh Cardiovascular Diagnostic Laboratory, Baylor College of Medicine
Classification: Uncertain significance for Pulmonary arterial hypertension. Last evaluated: 2022-09-26. Review status: no assertion criteria provided. Criteria: ACMG Guidelines, 2015. Collection method: clinical testing. Allele origin: germline. Not counted in ClinVar's aggregate classification.

Literature cited by the submitters: PubMed 33007923 (cited by Labcorp Genetics (formerly Invitae), Labcorp); PubMed 36917789 (cited by Labcorp Genetics (formerly Invitae), Labcorp).